The following is an entry in ClinVar:

ClinVar aggregate classification (germline): Uncertain significance (1 of 4 stars; one submission).

Conditions:
Mevalonic aciduria (MEVA). Identifiers: Orphanet 29, MedGen C1959626, MONDO:0012481, OMIM 610377.
Hyperimmunoglobulin D with periodic fever (HIDS). Also called: Hyperimmunoglobulinemia D; HYPERIMMUNOGLOBULINEMIA D AND PERIODIC FEVER SYNDROME; Hyperimmunoglobulinemia D with periodic fever. Identifiers: Orphanet 343, MedGen C0398691, MONDO:0009849, OMIM 260920.
Porokeratosis 3, disseminated superficial actinic type (POROK3). Also called: POROKERATOSIS 3, MULTIPLE TYPES; POROKERATOSIS 3, MIBELLI TYPE; POROKERATOSIS, DISSEMINATED SUPERFICIAL ACTINIC, 1. Identifiers: MedGen C1867981, MONDO:0008293, OMIM 175900.

Submission:

Labcorp Genetics (formerly Invitae), Labcorp
Classification: Uncertain significance for Mevalonic aciduria; Hyperimmunoglobulin D with periodic fever; Porokeratosis 3, disseminated superficial actinic type. Last evaluated: 2022-09-25. Review status: criteria provided, single submitter. Criteria: Invitae Variant Classification Sherloc (09022015). Collection method: clinical testing. Allele origin: germline.
Comment: This sequence change falls in intron 7 of the MVK gene. It does not directly change the encoded amino acid sequence of the MVK protein. It affects a nucleotide within the consensus splice site. This variant is not present in population databases (gnomAD no frequency). This variant has not been reported in the literature in individuals affected with MVK-related conditions. Variants that disrupt the consensus splice site are a relatively common cause of aberrant splicing (PMID: 17576681, 9536098). Algorithms developed to predict the effect of sequence changes on RNA splicing suggest that this variant is not likely to affect RNA splicing. In summary, the available evidence is currently insufficient to determine the role of this variant in disease. Therefore, it has been classified as a Variant of Uncertain Significance.

Literature cited by the submitters: PubMed 17576681; PubMed 9536098.

NM_000431.4(MVK):c.677+5C>A

Gene: MVK (mevalonate kinase; plus strand). Cytogenetic location: 12q24.11.
Variant type: single nucleotide variant.
Coding change: c.677+5C>A on transcript NM_000431.4 (MANE Select); 5 bases into the intron after coding-DNA position 677, C replaced by A.
Molecular consequence: intron variant.
Genome position (GRCh38, 1-based): chr12:109,586,804, C>A. VCF-style: chr12-109586804-C-A. GRCh37 (hg19) VCF-style: chr12-110024609-C-A.
Other names: c.521+5C>A (NM_001301182.2); c.677+5C>A (NM_001114185.3).
Identifiers: ClinVar variation 2025463 (VCV002025463.4), dbSNP rs1455015163, ClinGen allele CA683453566.